The following is an entry in ClinVar:

NM_025137.4(SPG11):c.1175T>C (p.Met392Thr)

Gene: SPG11 (SPG11 vesicle trafficking associated, spatacsin; minus strand). Cytogenetic location: 15q21.1.
Variant type: single nucleotide variant.
Coding change: c.1175T>C on transcript NM_025137.4 (MANE Select); coding-DNA position 1175, T replaced by C.
Protein change: p.Met392Thr; replaces methionine 392 with threonine.
Molecular consequence: missense variant.
Genome position (GRCh38, 1-based): chr15:44,651,772, A>G on the plus strand (T>C on the coding strand, the complement: SPG11 is on the minus strand). VCF-style: chr15-44651772-A-G. GRCh37 (hg19) VCF-style: chr15-44943970-A-G.
Other names: c.1175T>C, p.Met392Thr (NM_001160227.2); c.1175T>C (NM_025137.3); short protein forms M392T.
Identifiers: ClinVar variation 1002376 (VCV001002376.9), dbSNP rs2084785700, ClinGen allele CA392236426.

ClinVar aggregate classification (germline): Uncertain significance. Review status: criteria provided, multiple submitters, no conflicts (2 of 4 stars). 2 submissions from 2 submitters: Uncertain significance (2). Last evaluated 2024-09-05.

Conditions:
Hereditary spastic paraplegia 11. Also called: Spastic Paraplegia 11; SPASTIC PARAPLEGIA, AUTOSOMAL RECESSIVE, COMPLICATED, WITH THIN CORPUS CALLOSUM; SPASTIC PARAPLEGIA, AUTOSOMAL RECESSIVE, WITH MENTAL IMPAIRMENT AND THIN CORPUS CALLOSUM; Nakamura Osame syndrome; Autosomal recessive hereditary spastic paraplegia, mental impairment, and thin corpus callosum; Spastic paraplegia, mental retardation and thin corpus callosum. Identifiers: Orphanet 2822, MedGen C1858479, MONDO:0011445, OMIM 604360.

Allele frequency attached by ClinVar (database versions not stated): gnomAD exomes below 0.00001.
gnomAD v4.1: 4 of 1,614,242 alleles (0.00025%); highest among the groups gnomAD compares: Non-Finnish European, 0.00025%; no homozygotes.

Submissions (2):

GeneDx
Classification: Uncertain significance. Last evaluated: 2024-09-05. Review status: criteria provided, single submitter. Criteria: GeneDx Variant Classification Process June 2021. Collection method: clinical testing. Allele origin: germline. Affected: yes.
Comment: Not observed at significant frequency in large population cohorts (gnomAD); In silico analysis indicates that this missense variant does not alter protein structure/function; Has not been previously published as pathogenic or benign to our knowledge

Labcorp Genetics (formerly Invitae), Labcorp
Classification: Uncertain significance for Hereditary spastic paraplegia 11. Last evaluated: 2020-09-09. Review status: criteria provided, single submitter. Criteria: Invitae Variant Classification Sherloc (09022015). Collection method: clinical testing. Allele origin: germline.
Comment: In summary, the available evidence is currently insufficient to determine the role of this variant in disease. Therefore, it has been classified as a Variant of Uncertain Significance. Algorithms developed to predict the effect of missense changes on protein structure and function output the following: SIFT: "Tolerated"; PolyPhen-2: "Benign"; Align-GVGD: "Class C0". The threonine amino acid residue is found in multiple mammalian species, suggesting that this missense change does not adversely affect protein function. These predictions have not been confirmed by published functional studies and their clinical significance is uncertain. This variant has not been reported in the literature in individuals with SPG11-related conditions. This variant is not present in population databases (ExAC no frequency). This sequence change replaces methionine with threonine at codon 392 of the SPG11 protein (p.Met392Thr). The methionine residue is weakly conserved and there is a moderate physicochemical difference between methionine and threonine.